The following is an entry in ClinVar:

ClinVar aggregate classification (germline): Uncertain significance (1 of 4 stars; one submission).

Submission:

Labcorp Genetics (formerly Invitae), Labcorp
Classification: Uncertain significance. Last evaluated: 2024-10-25. Review status: criteria provided, single submitter. Criteria: Invitae Variant Classification Sherloc (09022015). Collection method: clinical testing. Allele origin: germline.
Comment: This sequence change replaces arginine, which is basic and polar, with histidine, which is basic and polar, at codon 57 of the DIAPH3 protein (p.Arg57His). This variant is not present in population databases (gnomAD no frequency). This variant has not been reported in the literature in individuals affected with DIAPH3-related conditions. An algorithm developed to predict the effect of missense changes on protein structure and function (PolyPhen-2) suggests that this variant is likely to be disruptive. In summary, the available evidence is currently insufficient to determine the role of this variant in disease. Therefore, it has been classified as a Variant of Uncertain Significance.

NM_001042517.2(DIAPH3):c.170G>A (p.Arg57His)

Gene: DIAPH3 (diaphanous related formin 3; minus strand). Cytogenetic location: 13q21.2.
Variant type: single nucleotide variant.
Coding change: c.170G>A on transcript NM_001042517.2 (MANE Select); coding-DNA position 170, G replaced by A.
Protein change: p.Arg57His; replaces arginine 57 with histidine.
Molecular consequence: missense variant.
Genome position (GRCh38, 1-based): chr13:60,163,597, C>T on the plus strand (G>A on the coding strand, the complement: DIAPH3 is on the minus strand). VCF-style: chr13-60163597-C-T. GRCh37 (hg19) VCF-style: chr13-60737731-C-T.
Other names: c.170G>A, p.Arg57His (NM_001258366.2, NM_001258367.2, NM_001258368.2 and 1 more transcripts); short protein forms R57H.
Identifiers: ClinVar variation 3618495 (VCV003618495.2).